The following is an entry in ClinVar:

NM_000552.5(VWF):c.3835G>A (p.Val1279Ile)

Gene: VWF (von Willebrand factor; minus strand). Cytogenetic location: 12p13.31.
Variant type: single nucleotide variant.
Coding change: c.3835G>A on transcript NM_000552.5 (MANE Select); coding-DNA position 3835, G replaced by A.
Protein change: p.Val1279Ile; replaces valine 1279 with isoleucine.
Molecular consequence: missense variant.
Genome position (GRCh38, 1-based): chr12:6,019,583, C>T on the plus strand (G>A on the coding strand, the complement: VWF is on the minus strand). VCF-style: chr12-6019583-C-T. GRCh37 (hg19) VCF-style: chr12-6128749-C-T.
Other names: p.Val1279Ile; short protein forms V1279I.
Identifiers: ClinVar variation 100288 (VCV000100288.74), dbSNP rs61749376, ClinGen allele CA228459.

ClinVar aggregate classification (germline): Uncertain significance. Review status: criteria provided, multiple submitters, no conflicts (2 of 4 stars). 15 submissions from 13 submitters: Uncertain significance (13). 2 of the submissions do not count toward it. Last evaluated 2026-02-10.

Conditions:
VWF-related disorder. Also called: VWF-related condition; VWF-related disorders.
von Willebrand disease type 2 (VWD2). Also called: VON WILLEBRAND DISEASE, TYPE II; VWD, TYPE 2; VON WILLEBRAND DISEASE, TYPE 2A/IIE; VON WILLEBRAND DISEASE, TYPE 2CB. Identifiers: Orphanet 166081, Orphanet 903, MedGen C1264040, MONDO:0013304, OMIM 613554.
Hereditary von Willebrand disease. Identifiers: Orphanet 903, MedGen C5703318, MONDO:0019565. Inheritance: Autosomal recessive or Autosomal dominant.
von Willebrand disease type 1 (VWD1). Also called: VON WILLEBRAND DISEASE, TYPE I; VWD, TYPE 1. Identifiers: Orphanet 166078, Orphanet 903, MedGen C1264039, MONDO:0008668, OMIM 193400. Inheritance: autosomal recessive or autosomal dominant.
Thrombocytopenia. Identifiers: MedGen C0040034, MeSH D013921, MONDO:0002049, HP:0001873.

Allele frequency attached by ClinVar (database versions not stated): gnomAD exomes 0.00030 and 0.00036; ESP Exome Variant Server 0.00031; ExAC 0.00047; gnomAD 0.00048; 1000 Genomes Project 30x 0.00016; 1000 Genomes Project 0.00020.

Submissions 1 to 7 of 15:

Women's Health and Genetics/Laboratory Corporation of America, LabCorp
Classification: Uncertain significance. Last evaluated: 2026-02-10. Review status: criteria provided, single submitter. Criteria: LabCorp Variant Classification Summary - May 2015. Collection method: clinical testing. Allele origin: germline.
Comment: Variant summary: VWF c.3835G>A (p.Val1279Ile) results in a conservative amino acid change located in the von Willebrand factor, type A (IPR002035) of the encoded protein sequence. Algorithms developed to predict the effect of missense changes on protein structure and function are either unavailable or do not agree on the potential impact of this missense change. The variant allele was found at a frequency of 0.00029 in 250848 control chromosomes. This frequency is not significantly higher than estimated for disease-causing variants in VWF, allowing no conclusion about variant significance. c.3835G>A has been reported in the literature in many individuals affected with Von Willebrand Disease but also frequently reported in cis with a pathogenic variant and observed to co-occur with other pathogenic variants(e.g. Eikenboom_1993, Kasatkar_2014, Kakela_2006, James_2007, Sadler_2021) . These data do not allow any conclusion about variant significance. Co-occurrences with other pathogenic variants have been reported (VWF c.3797C>T, p.Pro1266Leu; VWF c.3931C>T, p.Q1311X), providing supporting evidence for a benign role. To our knowledge, no experimental evidence demonstrating an impact on protein function has been reported. The following publications have been ascertained in the context of this evaluation (PMID: 8096943, 17190853, 16321553, 24675615, 33556167). ClinVar contains an entry for this variant (Variation ID: 100288). Based on the evidence outlined above, the variant was classified as uncertain significance.

PreventionGenetics, part of Exact Sciences
Classification: Uncertain significance for VWF-related condition. Last evaluated: 2026-01-29. Review status: criteria provided, single submitter. Criteria: ACMG Guidelines, 2015. Collection method: clinical testing. Allele origin: germline.
Comment: The VWF c.3835G>A variant is predicted to result in the amino acid substitution p.Val1279Ile. This variant has been reported in the homozygous or compound heterozygous states in individuals with type 1, 2 and 3 von Willebrand disease, it has also been reported in cis with a second variant (c.3797C>T, p.Pro1266Leu); additionally, both c.3835G>A and c.3797C>T are present in the VWF pseudogene suggesting the occurrence of some form of gene conversion (Eikenboom et al. 1993. PubMed ID: 8096943; Song et al. 2007. PubMed ID: 18094571; Figure 6, Veyradier et al. 2016. PubMed ID: 26986123; Elayaperumal et al. 2018. PubMed ID: 29984440). This variant is reported in 0.26% of alleles in individuals of Ashkenazi Jewish descent in gnomAD. At this time, the clinical significance of this variant is uncertain due to the absence of conclusive functional and genetic evidence.

Mayo Clinic Laboratories, Mayo Clinic
Classification: Uncertain significance. Last evaluated: 2025-11-10. Review status: criteria provided, single submitter. Criteria: ACMG Guidelines, 2015. Collection method: clinical testing. Allele origin: germline. Observed: 3 variant alleles.

Quest Diagnostics Nichols Institute San Juan Capistrano
Classification: Uncertain significance. Last evaluated: 2025-03-12. Review status: criteria provided, single submitter. Criteria: Quest Diagnostics criteria. Collection method: clinical testing. Allele origin: unknown.
Comment: The VWF c.3835G>A (p.Val1279Ile) variant has been reported in the published literature as homozygous and as compound heterozygous with another VWF pathogenic variant in individuals affected with types 1, 2B, 2M, and 3 von Willebrand disease (VWD) (PMIDs: 8134377 (1994), 11325649 (2001), 16115133 (2005), 18315546 (2008), 18485763 (2008), 19453940 (2010), 24675615 (2014), 26986123 (2016), 29984440 (2018), and 34828413 (2021)), as well as heterozygous in individuals affected with type 1 VWD (PMID: 18094571 (2007) and 37168293 (2023)). When seen with the VWF c.3797C>T (p.Pro1266Leu) pathogenic variant, this variant has been detected in the same copy of the VWF gene (in cis) in many individuals affected with Type 1, Type 2M, Type 2B, and Type 3 vWD (PMID: 24675615 (2014), 24712919 (2014), 17190853 (2007), and 8134377 (1991)). Both variants can be detected on the same chromosome as a result of a gene conversion event between the VWF gene and its pseudogene (PMID: 18805962 (2009) and 18315546 (2008)).The frequency of this variant in the general population (Genome Aggregation Database) is uninformative in the assessment of its pathogenicity. Analysis of this variant using bioinformatics tools for the prediction of the effect of amino acid changes on protein structure and function yielded predictions that this variant is benign. Based on the available information, we are unable to determine the clinical significance of this variant.

ARUP Laboratories, Molecular Genetics and Genomics, ARUP Laboratories
Classification: Uncertain significance. Last evaluated: 2024-12-12. Review status: criteria provided, single submitter. Criteria: ARUP Molecular Germline Variant Investigation Process 2024. Collection method: clinical testing. Allele origin: germline.
Comment: The VWF c.3835G>A; p.Val1279Ile variant (rs61749376), also known as Val516Ile, is reported in the literature in multiple individuals affected with von Willebrand disease, types I, 2M, or 3 (Eikenboom 1993, Elayaperumal 2018, James 2007, Kasatkar 2014, Sadler 2021, Veyradier 2016). This variant is frequently reported in cis to the pathogenic p.Pro1266Leu variant (Eikenboom 1993, James 2007), although other affected individuals with p.Val1279Ile have been reported to lack p.Pro1266Leu but carry other variants (Casana 2001, Elayaperumal 2018). The p.Val1279Ile variant has also been reported as part of a possible gene conversion between VWF and its pseudogene involving several base changes and a nonsense variant upstream (Ahmad 2014, Gupta 2008, Kasatkar 2014, Ornaghi 2021). The p.Val1279Ile variant is reported in ClinVar (ClinVar ID: 100288). This variant is found in the Ashkenazi Jewish population with an allele frequency of 0.26% (27/10,370 alleles) in the Genome Aggregation Database, but is considered a low confidence variant in the database. Computational analyses are uncertain whether this variant is neutral or deleterious (REVEL: 0.54). However, given the limited clinical data and lack of functional data on p.Val1279Ile in isolation, its clinical significance is uncertain at this time. References: Ahmad F et al. Germline de novo mutations and linkage markers vs. DNA sequencing for carrier detection in von Willebrand disease. Haemophilia. 2014 Jul;20(4):e311-7. PMID: 24712919. Casana P et al. New mutations in exon 28 of the von Willebrand factor gene detected in patients with different types of von Willebrand's disease. Haematologica. 2001 Apr;86(4):414-9. PMID: 11325649. Eikenboom JC et al. Recessive inheritance of von Willebrand's disease type I. Lancet. 1993 Apr 17;341(8851):982-6. PMID: 8096943. Elayaperumal S et al. Type-3 von Willebrand disease in India-Clinical spectrum and molecular profile. Haemophilia. 2018 Nov;24(6):930-940. PMID: 29984440. Gupta PK et al. Genetic defects in von Willebrand disease type 3 in Indian and Greek patients. Blood Cells Mol Dis. 2008 Sep-Oct;41(2):219-22. PMID: 18485763. James PD et al. The mutational spectrum of type 1 von Willebrand disease: Results from a Canadian cohort study. Blood. 2007 Jan 1;109(1):145-54. PMID: 17190853. Kasatkar P et al. Genetic heterogeneity in a large cohort of Indian type 3 von Willebrand disease patients. PLoS One. 2014 Mar 27;9(3):e92575. PMID: 24675615. Ornaghi AP et al. Variants p.Pro2063Ser and p.Arg324Ter co-segregate in type 3 von Willebrand disease patients from Southern Brazil. Haemophilia. 2021 Mar;27(2):e204-e213. PMID: 33550700. Sadler B et al. von Willebrand factor antigen levels are associated with burden of rare nonsynonymous variants in the VWF gene. Blood. 2021 Jun 10;137(23):3277-3283. PMID: 33556167. Veyradier A et al. A Laboratory Phenotype/Genotype Correlation of 1167 French Patients From 670 Families With von Willebrand Disease: A New Epidemiologic Picture. Medicine (Baltimore). 2016 Mar;95(11):e3038. PMID: 26986123.

Blueprint Genetics
Classification: Uncertain significance. Last evaluated: 2024-11-20. Review status: criteria provided, single submitter. Criteria: ACMG Guidelines, 2015. Collection method: clinical testing. Allele origin: germline.

CeGaT Center for Human Genetics Tuebingen
Classification: Uncertain significance. Last evaluated: 2024-06-01. Review status: criteria provided, single submitter. Criteria: CeGaT Center For Human Genetics Tuebingen Variant Classification Criteria Version 2. Collection method: clinical testing. Allele origin: germline. Affected: yes. Observed: 2 variant alleles.